The following is an entry in ClinVar:

NM_001267550.2(TTN):c.66463+10C>T

Genes: TTN (titin; minus strand), TTN-AS1 (TTN antisense RNA 1; plus strand). Cytogenetic location: 2q31.2.
Variant type: single nucleotide variant.
Coding change: c.66463+10C>T on transcript NM_001267550.2 (MANE Select); 10 bases into the intron after coding-DNA position 66463, C replaced by T.
Molecular consequence: intron variant.
Genome position (GRCh38, 1-based): chr2:178,581,896, G>A on the plus strand (C>T on the coding strand, the complement: TTN is on the minus strand). VCF-style: chr2-178581896-G-A. GRCh37 (hg19) VCF-style: chr2-179446623-G-A.
Other names: c.39268+10C>T (NM_003319.4); c.39844+10C>T (NM_133437.4); c.39643+10C>T (NM_133432.3); c.58759+10C>T (NM_133378.4); c.61540+10C>T (NM_001256850.1).
Identifiers: ClinVar variation 703134 (VCV000703134.16), dbSNP rs1216304664, ClinGen allele CA430262522.

ClinVar aggregate classification (germline): Likely benign. Review status: criteria provided, multiple submitters, no conflicts (2 of 4 stars). 5 submissions from 5 submitters: Likely benign (5). Last evaluated 2026-08-23.

Conditions:
TTN-related disorder. Also called: TTN-related condition; TTN-related disease; TTN-related disorders.
Autosomal recessive limb-girdle muscular dystrophy type 2J (LGMDR10). Also called: Limb-girdle muscular dystrophy, type 2J; MUSCULAR DYSTROPHY, LIMB-GIRDLE, AUTOSOMAL RECESSIVE 10. Identifiers: Orphanet 140922, MedGen C1837342, MONDO:0012127, OMIM 608807.
Dilated cardiomyopathy 1G (CMD1G). Identifiers: Orphanet 154, MedGen C1858763, MONDO:0011400, OMIM 604145.

Allele frequency attached by ClinVar (database versions not stated): gnomAD exomes below 0.00001; gnomAD 0.00001; TOPMed 0.00001.
gnomAD v4.1: 29 of 1,611,904 alleles (0.0018%); highest among the groups gnomAD compares: Non-Finnish European, 0.0024%; no homozygotes.

Submissions (5):

PreventionGenetics, part of Exact Sciences
Classification: Likely benign for TTN-related condition. Last evaluated: 2026-08-23. Review status: criteria provided, single submitter. Criteria: ACMG Guidelines, 2015. Collection method: clinical testing. Allele origin: germline.
Comment: This variant is classified as likely benign based on ACMG/AMP sequence variant interpretation guidelines (Richards et al. 2015 PMID: 25741868, with internal and published modifications).

Labcorp Genetics (formerly Invitae), Labcorp
Classification: Likely benign for Dilated cardiomyopathy 1G; Autosomal recessive limb-girdle muscular dystrophy type 2J. Last evaluated: 2025-12-21. Review status: criteria provided, single submitter. Criteria: Invitae Variant Classification Sherloc (09022015). Collection method: clinical testing. Allele origin: germline.

Molecular Diagnostic Laboratory for Inherited Cardiovascular Disease, Montreal Heart Institute
Classification: Likely benign. Last evaluated: 2025-04-09. Review status: criteria provided, single submitter. Criteria: ACMG Guidelines, 2015. Collection method: clinical testing. Allele origin: germline. Affected: no.
Comment: BP6

Women's Health and Genetics/Laboratory Corporation of America, LabCorp
Classification: Likely benign. Last evaluated: 2025-03-24. Review status: criteria provided, single submitter. Criteria: LabCorp Variant Classification Summary - May 2015. Collection method: clinical testing. Allele origin: germline.

Blueprint Genetics
Classification: Likely benign. Last evaluated: 2024-11-13. Review status: criteria provided, single submitter. Criteria: ACMG Guidelines, 2015. Collection method: clinical testing. Allele origin: germline.